The following is an entry in ClinVar:

NM_000179.3(MSH6):c.3959C>A (p.Ala1320Glu)

Gene: MSH6 (mutS homolog 6; plus strand). Cytogenetic location: 2p16.3.
Variant type: single nucleotide variant.
Coding change: c.3959C>A on transcript NM_000179.3 (MANE Select); coding-DNA position 3959, C replaced by A.
Protein change: p.Ala1320Glu; replaces alanine 1320 with glutamic acid.
Molecular consequence: missense variant.
Genome position (GRCh38, 1-based): chr2:47,806,609, C>A. VCF-style: chr2-47806609-C-A. GRCh37 (hg19) VCF-style: chr2-48033748-C-A.
Other names: c.3569C>A, p.Ala1190Glu (NM_001281492.2); c.3053C>A, p.Ala1018Glu (NM_001281493.2, NM_001281494.2); c.3959C>A (NM_000179.2); short protein forms A1018E, A1190E, A1320E.
Identifiers: ClinVar variation 1002239 (VCV001002239.13), dbSNP rs1670139654, ClinGen allele CA346761540.

ClinVar aggregate classification (germline): Uncertain significance. Review status: criteria provided, multiple submitters, no conflicts (2 of 4 stars). 2 submissions from 2 submitters: Uncertain significance (2). Last evaluated 2024-02-19.

Conditions:
Hereditary nonpolyposis colorectal neoplasms. Identifiers: MedGen C0009405, MeSH D003123.
Hereditary cancer-predisposing syndrome. Also called: Neoplastic Syndromes, Hereditary; Tumor predisposition; Hereditary Cancer Syndrome; Hereditary neoplastic syndrome. Identifiers: Orphanet 140162, MedGen C0027672, MeSH D009386, MONDO:0015356.

Submissions (2):

Labcorp Genetics (formerly Invitae), Labcorp
Classification: Uncertain significance for Hereditary nonpolyposis colorectal neoplasms. Last evaluated: 2024-02-19. Review status: criteria provided, single submitter. Criteria: Invitae Variant Classification Sherloc (09022015). Collection method: clinical testing. Allele origin: germline.
Comment: This sequence change replaces alanine, which is neutral and non-polar, with glutamic acid, which is acidic and polar, at codon 1320 of the MSH6 protein (p.Ala1320Glu). This variant is not present in population databases (gnomAD no frequency). This variant has not been reported in the literature in individuals affected with MSH6-related conditions. ClinVar contains an entry for this variant (Variation ID: 1002239). Advanced modeling of protein sequence and biophysical properties (such as structural, functional, and spatial information, amino acid conservation, physicochemical variation, residue mobility, and thermodynamic stability) has been performed at Invitae for this missense variant, however the output from this modeling did not meet the statistical confidence thresholds required to predict the impact of this variant on MSH6 protein function. In summary, the available evidence is currently insufficient to determine the role of this variant in disease. Therefore, it has been classified as a Variant of Uncertain Significance.

Ambry Genetics
Classification: Uncertain significance for Hereditary cancer-predisposing syndrome. Last evaluated: 2023-09-11. Review status: criteria provided, single submitter. Criteria: Ambry Variant Classification Scheme 2023. Collection method: clinical testing. Allele origin: germline.
Comment: The p.A1320E variant (also known as c.3959C>A), located in coding exon 9 of the MSH6 gene, results from a C to A substitution at nucleotide position 3959. The alanine at codon 1320 is replaced by glutamic acid, an amino acid with dissimilar properties. This amino acid position is conserved. In addition, this alteration is predicted to be deleterious by in silico analysis. Since supporting evidence is limited at this time, the clinical significance of this alteration remains unclear.